The following is an entry in ClinVar:

NM_000169.3(GLA):c.553A>G (p.Lys185Glu)

Genes: GLA (galactosidase alpha; minus strand), RPL36A-HNRNPH2 (RPL36A-HNRNPH2 readthrough; plus strand). Cytogenetic location: Xq22.1.
Variant type: single nucleotide variant.
Coding change: c.553A>G on transcript NM_000169.3 (MANE Select); coding-DNA position 553, A replaced by G.
Protein change: p.Lys185Glu; replaces lysine 185 with glutamic acid.
Molecular consequence: missense variant. On other transcripts: non-coding transcript variant (2), intron variant (2).
Genome position (GRCh38, 1-based): chrX:101,400,752, T>C on the plus strand (A>G on the coding strand, the complement: GLA is on the minus strand). VCF-style: chrX-101400752-T-C. GRCh37 (hg19) VCF-style: chrX-100655740-T-C.
Other names: c.676A>G, p.Lys226Glu (NM_001406747.1); c.553A>G, p.Lys185Glu (NM_001406748.1); c.300+5295T>C (NM_001199973.2); c.177+8930T>C (NM_001199974.2); short protein forms K185E, K226E.
Identifiers: ClinVar variation 1333104 (VCV001333104.3), dbSNP rs2147476184, ClinGen allele CA413927951.

ClinVar aggregate classification (germline): Uncertain significance. Review status: criteria provided, multiple submitters, no conflicts (2 of 4 stars). 2 submissions from 2 submitters: Uncertain significance (2). Last evaluated 2026-09-08.

Conditions:
Fabry disease. Also called: Fabry's disease; GLA DEFICIENCY; HEREDITARY DYSTOPIC LIPIDOSIS; Angiokeratoma corporis diffusum; ALPHA-GALACTOSIDASE A DEFICIENCY; ANDERSON-FABRY DISEASE. Identifiers: Orphanet 324, MedGen C0002986, MONDO:0010526, OMIM 301500, HP:0001071. Disease mechanism: Fabry disease is due to inactivating mutations in the X-linked GLA gene resulting in deficiency of the enzyme Alpha Galactosidase-A., loss of function.

Submissions (2):

Genomenon, Inc
Classification: Uncertain significance for Fabry disease. Last evaluated: 2026-09-08. Review status: criteria provided, single submitter. Criteria: Genomenon Sequence Variant Interpretation Standards - Updated. Collection method: curation. Allele origin: germline. Affected: yes.
Comment: GLA p.Lys185Glu (c.553A>G) is a missense variant that changes the amino acid at codon 185 from Lysine to Glutamic acid. This variant has been observed in at least one proband with clinical features consistent with Fabry disease (PMID:36165155). Functional or patient cell studies have been reported (PMID:27657681). It is absent or not present at a significant frequency in gnomAD. In conclusion, we classify GLA p.Lys185Glu (c.553A>G) as a variant of uncertain significance.

3billion
Classification: Uncertain significance for Fabry disease. Last evaluated: 2022-01-10. Review status: criteria provided, single submitter. Criteria: ACMG Guidelines, 2015. Collection method: clinical testing. Allele origin: germline. Affected: yes. Observed: 1 hemizygote.
Comment: This variant have been identified with about 40% of baseline activity in the GLP HEK assay and responded to Migalastat (PMID: 27657681). It is absent from the gnomAD v2.1.1 dataset. This variant has been previously reported to be associated with late onset type of Fabry disease (PMID: 33714629). However, the evidence of pathogenicity is insufficient at this time. Therfore, the variant is classified as uncertain sigifcance according to the recommendation of ACMG/AMP guideline.

Literature cited by the submitters: PubMed 36165155 (cited by Genomenon, Inc); PubMed 27657681 (cited by Genomenon, Inc).